The following is an entry in ClinVar:

NM_004655.4(AXIN2):c.1373G>C (p.Gly458Ala)

Gene: AXIN2 (axin 2; minus strand). Cytogenetic location: 17q24.1.
Variant type: single nucleotide variant.
Coding change: c.1373G>C on transcript NM_004655.4 (MANE Select); coding-DNA position 1373, G replaced by C.
Protein change: p.Gly458Ala; replaces glycine 458 with alanine.
Molecular consequence: missense variant.
Genome position (GRCh38, 1-based): chr17:65,537,663, C>G on the plus strand (G>C on the coding strand, the complement: AXIN2 is on the minus strand). VCF-style: chr17-65537663-C-G. GRCh37 (hg19) VCF-style: chr17-63533781-C-G.
Other names: c.1373G>C, p.Gly458Ala (NM_001363813.1); short protein forms G458A.
Identifiers: ClinVar variation 1402360 (VCV001402360.8), dbSNP rs1233713623, ClinGen allele CA400677628.

ClinVar aggregate classification (germline): Uncertain significance (1 of 4 stars; one submission).

Conditions:
Oligodontia-cancer predisposition syndrome. Also called: TOOTH AGENESIS-COLORECTAL CANCER SYNDROME. Identifiers: Orphanet 300576, MedGen C1837750, MONDO:0012075, OMIM 608615. Disease mechanism: loss of function.

Submission:

Labcorp Genetics (formerly Invitae), Labcorp
Classification: Uncertain significance for Oligodontia-cancer predisposition syndrome. Last evaluated: 2021-01-07. Review status: criteria provided, single submitter. Criteria: Invitae Variant Classification Sherloc (09022015). Collection method: clinical testing. Allele origin: germline.
Comment: Algorithms developed to predict the effect of missense changes on protein structure and function (SIFT, PolyPhen-2, Align-GVGD) all suggest that this variant is likely to be tolerated, but these predictions have not been confirmed by published functional studies and their clinical significance is uncertain. This variant has not been reported in the literature in individuals with AXIN2-related conditions. This variant is not present in population databases (ExAC no frequency). This sequence change replaces glycine with alanine at codon 458 of the AXIN2 protein (p.Gly458Ala). The glycine residue is moderately conserved and there is a small physicochemical difference between glycine and alanine. In summary, the available evidence is currently insufficient to determine the role of this variant in disease. Therefore, it has been classified as a Variant of Uncertain Significance.